The following is an entry in ClinVar:

ClinVar aggregate classification (germline): Conflicting classifications of pathogenicity. Review status: criteria provided, conflicting classifications (1 of 4 stars). 5 submissions from 5 submitters: Uncertain significance (4); Likely benign (1). Last evaluated 2026-01-21.

Conditions:
Inborn genetic diseases. Identifiers: MedGen C0950123, MeSH D030342.

Allele frequency attached by ClinVar (database versions not stated): 1000 Genomes Project 30x 0.00031; 1000 Genomes Project 0.00040; gnomAD exomes 0.00046 and 0.00090; ExAC 0.00050; TOPMed 0.00053; gnomAD 0.00060 and 0.00061; ESP Exome Variant Server 0.00077.
gnomAD v4.1: 1,398 of 1,609,916 alleles (0.087%); highest among the groups gnomAD compares: Non-Finnish European, 0.11%; no homozygotes.

Submissions (5):

Labcorp Genetics (formerly Invitae), Labcorp
Classification: Likely benign. Last evaluated: 2026-01-21. Review status: criteria provided, single submitter. Criteria: Invitae Variant Classification Sherloc (09022015). Collection method: clinical testing. Allele origin: germline.

CeGaT Center for Human Genetics Tuebingen
Classification: Uncertain significance. Last evaluated: 2024-02-01. Review status: criteria provided, single submitter. Criteria: CeGaT Center For Human Genetics Tuebingen Variant Classification Criteria Version 2. Collection method: clinical testing. Allele origin: germline. Affected: yes. Observed: 2 variant alleles.
Comment: FAT4: PM2:Supporting

GeneDx
Classification: Uncertain significance. Last evaluated: 2023-01-20. Review status: criteria provided, single submitter. Criteria: GeneDx Variant Classification Process June 2021. Collection method: clinical testing. Allele origin: germline. Affected: yes.
Comment: In silico analysis supports that this missense variant has a deleterious effect on protein structure/function; Has not been previously published as pathogenic or benign to our knowledge

Ambry Genetics
Classification: Uncertain significance for Inborn genetic diseases. Last evaluated: 2021-05-24. Review status: criteria provided, single submitter. Criteria: Ambry Variant Classification Scheme 2023. Collection method: clinical testing. Allele origin: germline.

ARUP Laboratories, Molecular Genetics and Genomics, ARUP Laboratories
Classification: Uncertain significance. Last evaluated: 2020-02-03. Review status: criteria provided, single submitter. Criteria: ARUP Molecular Germline Variant Investigation Process. Collection method: clinical testing. Allele origin: germline.
Comment: The FAT4 c.5792A>G; p.Tyr1931Cys variant (rs139716832) is reported in the literature in an individual affected with anencephaly, though it was not shown to be disease-causing (Ishida 2018). This variant is found in the non-Finnish European population with an overall allele frequency of 0.09% (114/127718 alleles) in the Genome Aggregation Database. The tyrosine at codon 1931 is highly conserved, and computational analyses (SIFT, PolyPhen-2) predict that this variant is deleterious. However, given the lack of clinical and functional data, the significance of the p.Tyr1931Cys variant is uncertain at this time. References: Ishida M et al. A targeted sequencing panel identifies rare damaging variants in multiple genes in the cranial neural tube defect, anencephaly. Clin Genet. 2018;93(4):870â€“879.

NM_001291303.3(FAT4):c.5792A>G (p.Tyr1931Cys)

Gene: FAT4 (FAT atypical cadherin 4; plus strand). Cytogenetic location: 4q28.1.
Variant type: single nucleotide variant.
Coding change: c.5792A>G on transcript NM_001291303.3 (MANE Select); coding-DNA position 5792, A replaced by G.
Protein change: p.Tyr1931Cys; replaces tyrosine 1931 with cysteine.
Molecular consequence: missense variant.
Genome position (GRCh38, 1-based): chr4:125,408,666, A>G. VCF-style: chr4-125408666-A-G. GRCh37 (hg19) VCF-style: chr4-126329821-A-G.
Other names: c.5792A>G, p.Tyr1931Cys (NM_001291285.3, NM_024582.6); short protein forms Y1931C.
Identifiers: ClinVar variation 871426 (VCV000871426.60), dbSNP rs139716832, ClinGen allele CA3072796.